The following is an entry in ClinVar:

ClinVar aggregate classification (germline): Likely pathogenic (1 of 4 stars; one submission).

Conditions:
Facioscapulohumeral muscular dystrophy 2 (FSHD2). Also called: FACIOSCAPULOHUMERAL MUSCULAR DYSTROPHY 2, DIGENIC; MUSCULAR DYSTROPHY, FACIOSCAPULOHUMERAL, TYPE 1B; FSHD2, DIGENIC. Identifiers: Orphanet 269, MedGen C1834671, MONDO:0008031, OMIM 158901.

Submission:

MGZ Medical Genetics Center
Classification: Likely pathogenic for Facioscapulohumeral muscular dystrophy 2. Last evaluated: 2022-06-30. Review status: criteria provided, single submitter. Criteria: ACMG Guidelines, 2015. Collection method: clinical testing. Allele origin: germline. Affected: yes. Observed: 1 variant allele.
Comment: ACMG criteria applied: PVS1, PM2_SUP

NM_015295.3(SMCHD1):c.1717_1720del (p.Lys572_Gln573insTer)

Gene: SMCHD1 (structural maintenance of chromosomes flexible hinge domain containing 1; plus strand). Cytogenetic location: 18p11.32.
Variant type: Deletion.
Coding change: c.1717_1720del on transcript NM_015295.3 (MANE Select); coding-DNA positions 1717 to 1720, 4 bases deleted (CAAA; older notation c.1717_1720delCAAA).
Protein change: p.Lys572_Gln573insTer.
Molecular consequence: nonsense.
Genome position (GRCh38, 1-based): chr18:2,703,761-2,703,764, CAAA deleted; deleting any 4 consecutive bases within chr18:2,703,758-2,703,764 gives the same sequence; the c. name uses the placement nearest the transcript's 3' end. VCF-style (leftmost placement, unchanged base first): chr18-2703757-TAAAC-T. GRCh37 (hg19) VCF-style: chr18-2703755-TAAAC-T.
Identifiers: ClinVar variation 1709611 (VCV001709611.2), dbSNP rs2510034129, ClinGen allele CA2580095395.
Genomic context (GRCh38, chr18:2,703,757, plus strand): 5'-GCGAATGAAAATTGACAGAGAATTTGCTTTGTGGCTGAAGGACTGTCATGAGAAGTATGA[TAAAC>T]AAATAAAATTTACACTTTTTAAGGGAGTAATTACACGTCCTGATCTTCCTTCTAAAAAGC-3'